The following is an entry in ClinVar:

ClinVar aggregate classification (germline): Likely benign (1 of 4 stars; one submission).

Submission:

CeGaT Center for Human Genetics Tuebingen
Classification: Likely benign. Last evaluated: 2025-02-01. Review status: criteria provided, single submitter. Criteria: CeGaT Center For Human Genetics Tuebingen Variant Classification Criteria Version 2. Collection method: clinical testing. Allele origin: germline. Affected: yes. Observed: 1 variant allele.
Comment: MUC19: BP4, BP7

NC_000012.12:g.40489345A>G

Gene: MUC19 (mucin 19, oligomeric (gene/pseudogene); plus strand). Cytogenetic location: 12q12.
Variant type: single nucleotide variant.
Genome position: GRCh38 VCF-style: chr12-40489345-A-G. GRCh37 (hg19) VCF-style: chr12-40883147-A-G.
Identifiers: ClinVar variation 3771196 (VCV003771196.13).
Genomic context (GRCh38, chr12:40,489,345, plus strand): 5'-ATCAGCAGAAGTGACAGGGAAAACTGGGCTATCAGCTGGAGTGATGGAGACAACTGGACC[A>G]TCAGCTGAAGTGACAGGGACAACTGGATCATCAGCTGGGGTGACAGGCACAACTGGACCA-3'